The following is an entry in ClinVar:

ClinVar aggregate classification (germline): Uncertain significance (1 of 4 stars; one submission).

Conditions:
Long QT syndrome (LQTS). Identifiers: MedGen C0023976, MeSH D008133, MONDO:0002442. Disease mechanism: loss of function. Inheritance: Various modes of inheritance.

gnomAD v4.1: 4 of 1,611,612 alleles (0.00025%); highest among the groups gnomAD compares: Admixed American, 0.0017%; no homozygotes.

Submission:

Labcorp Genetics (formerly Invitae), Labcorp
Classification: Uncertain significance for Long QT syndrome. Last evaluated: 2025-03-05. Review status: criteria provided, single submitter. Criteria: Invitae Variant Classification Sherloc (09022015). Collection method: clinical testing. Allele origin: germline.
Comment: This sequence change replaces leucine, which is neutral and non-polar, with phenylalanine, which is neutral and non-polar, at codon 3121 of the AKAP9 protein (p.Leu3121Phe). The frequency data for this variant in the population databases is considered unreliable, as metrics indicate poor data quality at this position in the gnomAD database. This variant has not been reported in the literature in individuals affected with AKAP9-related conditions. An algorithm developed to predict the effect of missense changes on protein structure and function outputs the following: PolyPhen-2: "Benign". The phenylalanine amino acid residue is found in multiple mammalian species, which suggests that this missense change does not adversely affect protein function. In summary, the available evidence is currently insufficient to determine the role of this variant in disease. Therefore, it has been classified as a Variant of Uncertain Significance.

NM_005751.5(AKAP9):c.9361C>T (p.Leu3121Phe)

Gene: AKAP9 (A-kinase anchoring protein 9; plus strand). Cytogenetic location: 7q21.2.
Variant type: single nucleotide variant.
Coding change: c.9361C>T on transcript NM_005751.5 (MANE Select); coding-DNA position 9361, C replaced by T.
Protein change: p.Leu3121Phe; replaces leucine 3121 with phenylalanine.
Molecular consequence: missense variant.
Genome position (GRCh38, 1-based): chr7:92,093,099, C>T. VCF-style: chr7-92093099-C-T. GRCh37 (hg19) VCF-style: chr7-91722413-C-T.
Other names: c.4006C>T, p.Leu1336Phe (NM_001379277.1); c.9337C>T, p.Leu3113Phe (NM_147185.3); short protein forms L3121F, L1336F, L3113F.
Identifiers: ClinVar variation 4695144 (VCV004695144.1).